The following is an entry in ClinVar:

ClinVar aggregate classification (germline): Uncertain significance (1 of 4 stars; one submission).

Allele frequency attached by ClinVar (database versions not stated): gnomAD exomes below 0.00001; ExAC 0.00001.
gnomAD v4.1: 1 of 1,613,814 alleles (0.000062%); highest among the groups gnomAD compares: Admixed American, 0.0017%; no homozygotes.

Submission:

Labcorp Genetics (formerly Invitae), Labcorp
Classification: Uncertain significance. Last evaluated: 2023-02-04. Review status: criteria provided, single submitter. Criteria: Invitae Variant Classification Sherloc (09022015). Collection method: clinical testing. Allele origin: germline.
Comment: This sequence change replaces alanine, which is neutral and non-polar, with valine, which is neutral and non-polar, at codon 1904 of the SCN3A protein (p.Ala1904Val). This variant is present in population databases (rs780334537, gnomAD 0.003%). This variant has not been reported in the literature in individuals affected with SCN3A-related conditions. Advanced modeling of protein sequence and biophysical properties (such as structural, functional, and spatial information, amino acid conservation, physicochemical variation, residue mobility, and thermodynamic stability) has been performed at Invitae for this missense variant, however the output from this modeling did not meet the statistical confidence thresholds required to predict the impact of this variant on SCN3A protein function. In summary, the available evidence is currently insufficient to determine the role of this variant in disease. Therefore, it has been classified as a Variant of Uncertain Significance.

NM_006922.4(SCN3A):c.5711C>T (p.Ala1904Val)

Gene: SCN3A (sodium voltage-gated channel alpha subunit 3; minus strand). Cytogenetic location: 2q24.3.
Variant type: single nucleotide variant.
Coding change: c.5711C>T on transcript NM_006922.4 (MANE Select); coding-DNA position 5711, C replaced by T.
Protein change: p.Ala1904Val; replaces alanine 1904 with valine.
Molecular consequence: missense variant.
Genome position (GRCh38, 1-based): chr2:165,090,442, G>A on the plus strand (C>T on the coding strand, the complement: SCN3A is on the minus strand). VCF-style: chr2-165090442-G-A. GRCh37 (hg19) VCF-style: chr2-165946952-G-A.
Other names: c.5564C>T, p.Ala1855Val (NM_001081676.2, NM_001081677.2); short protein forms A1904V, A1855V.
Identifiers: ClinVar variation 2962192 (VCV002962192.3), dbSNP rs780334537, ClinGen allele CA1938367.
Genomic context (GRCh38, chr2:165,090,442, plus strand): 5'-GATATATTTTTTAACCTTTGCTTTAAAAGATAACATCTGAAATTACGCTGAATGATAGCG[G>A]CAGACACCTCCTCTTGTTTACGTTTCAAAGTGGTTGTAATAGGCTCATAAGAGACTTTGG-3'
Protein context (NP_008853.3, residues 1894-1914): TLKRKQEEVS[Ala1904Val]AIIQRNFRCY